The following is an entry in ClinVar:

NM_170601.5(SIAE):c.406A>G (p.Ile136Val)

Gene: SIAE (sialic acid acetylesterase; minus strand). Cytogenetic location: 11q24.2.
Variant type: single nucleotide variant.
Coding change: c.406A>G on transcript NM_170601.5 (MANE Select); coding-DNA position 406, A replaced by G.
Protein change: p.Ile136Val; replaces isoleucine 136 with valine.
Molecular consequence: missense variant.
Genome position (GRCh38, 1-based): chr11:124,654,793, T>C on the plus strand (A>G on the coding strand, the complement: SIAE is on the minus strand). VCF-style: chr11-124654793-T-C. GRCh37 (hg19) VCF-style: chr11-124524689-T-C.
Other names: c.301A>G, p.Ile101Val (NM_001199922.2); short protein forms I101V, I136V.
Identifiers: ClinVar variation 4731311 (VCV004731311.1).

ClinVar aggregate classification (germline): Uncertain significance (1 of 4 stars; one submission).

Submission:

Labcorp Genetics (formerly Invitae), Labcorp
Classification: Uncertain significance. Last evaluated: 2025-11-16. Review status: criteria provided, single submitter. Criteria: Invitae Variant Classification Sherloc (09022015). Collection method: clinical testing. Allele origin: germline.
Comment: This sequence change replaces isoleucine, which is neutral and non-polar, with valine, which is neutral and non-polar, at codon 136 of the SIAE protein (p.Ile136Val). This variant is not present in population databases (gnomAD no frequency). This variant has not been reported in the literature in individuals affected with SIAE-related conditions. An algorithm developed to predict the effect of missense changes on protein structure and function outputs the following: PolyPhen-2: "Benign". The valine amino acid residue is found in multiple mammalian species, which suggests that this missense change does not adversely affect protein function. In summary, the available evidence is currently insufficient to determine the role of this variant in disease. Therefore, it has been classified as a Variant of Uncertain Significance.